The following is an entry in ClinVar:

NM_000834.5(GRIN2B):c.958A>G (p.Ser320Gly)

Gene: GRIN2B (glutamate ionotropic receptor NMDA type subunit 2B; minus strand). Cytogenetic location: 12p13.1.
Variant type: single nucleotide variant.
Coding change: c.958A>G on transcript NM_000834.5 (MANE Select); coding-DNA position 958, A replaced by G.
Protein change: p.Ser320Gly; replaces serine 320 with glycine.
Molecular consequence: missense variant.
Genome position (GRCh38, 1-based): chr12:13,753,369, T>C on the plus strand (A>G on the coding strand, the complement: GRIN2B is on the minus strand). VCF-style: chr12-13753369-T-C. GRCh37 (hg19) VCF-style: chr12-13906303-T-C.
Other names: short protein forms S320G.
Identifiers: ClinVar variation 838589 (VCV000838589.12), dbSNP rs1863520117, ClinGen allele CA384053056.

ClinVar aggregate classification (germline): Uncertain significance (1 of 4 stars; one submission).

Conditions:
Intellectual developmental disorder, autosomal dominant 6, with or without seizures. Also called: Intellectual disability, autosomal dominant 6; GRIN2B-related developmental delay, intellectual disability and autism spectrum disorder. Identifiers: Orphanet 589547, MedGen C3151411, MONDO:0013509, OMIM 613970.
Developmental and epileptic encephalopathy, 27 (DEE27). Also called: GRIN2B-Related Neurodevelopmental Disorder; Epileptic encephalopathy, early infantile, 27. Identifiers: Orphanet 3451, MedGen C4015316, MONDO:0014505, OMIM 616139.

Allele frequency attached by ClinVar (database versions not stated): gnomAD exomes below 0.00001.
gnomAD v4.1: 1 of 1,613,926 alleles (0.000062%); highest among the groups gnomAD compares: Non-Finnish European, 0.000085%; no homozygotes.

Submission:

Labcorp Genetics (formerly Invitae), Labcorp
Classification: Uncertain significance for Developmental and epileptic encephalopathy, 27; Intellectual developmental disorder, autosomal dominant 6, with or without seizures. Last evaluated: 2019-12-30. Review status: criteria provided, single submitter. Criteria: Invitae Variant Classification Sherloc (09022015). Collection method: clinical testing. Allele origin: germline.
Comment: In summary, the available evidence is currently insufficient to determine the role of this variant in disease. Therefore, it has been classified as a Variant of Uncertain Significance. Algorithms developed to predict the effect of missense changes on protein structure and function are either unavailable or do not agree on the potential impact of this missense change (SIFT: "Deleterious"; PolyPhen-2: "Benign"; Align-GVGD: "Class C55"). This variant has not been reported in the literature in individuals with GRIN2B-related conditions. This variant is not present in population databases (ExAC no frequency). This sequence change replaces serine with glycine at codon 320 of the GRIN2B protein (p.Ser320Gly). The serine residue is highly conserved and there is a small physicochemical difference between serine and glycine.